The following is an entry in ClinVar:

ClinVar aggregate classification (germline): Uncertain significance (1 of 4 stars; one submission).

gnomAD v4.1: 1 of 1,611,952 alleles (0.000062%); highest among the groups gnomAD compares: Non-Finnish European, 0.000085%; no homozygotes.

Submission:

Ambry Genetics
Classification: Uncertain significance. Last evaluated: 2025-10-29. Review status: criteria provided, single submitter. Criteria: Ambry Variant Classification Scheme 2023. Collection method: clinical testing. Allele origin: germline.
Comment: The p.G133E variant (also known as c.398G>A), located in coding exon 3 of the RNF43 gene, results from a G to A substitution at nucleotide position 398. The glycine at codon 133 is replaced by glutamic acid, an amino acid with similar properties. This amino acid position is conserved. In addition, the in silico prediction for this alteration is inconclusive. Based on the available evidence, the clinical significance of this variant remains unclear.

NM_017763.6(RNF43):c.398G>A (p.Gly133Glu)

Gene: RNF43 (ring finger protein 43; minus strand). Cytogenetic location: 17q22.
Variant type: single nucleotide variant.
Coding change: c.398G>A on transcript NM_017763.6 (MANE Select); coding-DNA position 398, G replaced by A.
Protein change: p.Gly133Glu; replaces glycine 133 with glutamic acid.
Molecular consequence: missense variant.
Genome position (GRCh38, 1-based): chr17:58,363,578, C>T on the plus strand (G>A on the coding strand, the complement: RNF43 is on the minus strand). VCF-style: chr17-58363578-C-T. GRCh37 (hg19) VCF-style: chr17-56440939-C-T.
Other names: c.398G>A, p.Gly133Glu (NM_001305544.3, NM_001438820.1, NM_001438821.1 and 1 more transcripts); c.17G>A, p.Gly6Glu (NM_001305545.2, NM_001437987.1); short protein forms G6E, G133E.
Identifiers: ClinVar variation 4578982 (VCV004578982.1).